The following is an entry in ClinVar:

NM_182961.4(SYNE1):c.15541C>T (p.Leu5181=)

Gene: SYNE1 (spectrin repeat containing nuclear envelope protein 1; minus strand). Cytogenetic location: 6q25.2.
Variant type: single nucleotide variant.
Coding change: c.15541C>T on transcript NM_182961.4 (MANE Select); coding-DNA position 15541, C replaced by T.
Protein change: p.Leu5181=; no amino-acid change (leucine 5181 retained).
Molecular consequence: synonymous variant.
Genome position (GRCh38, 1-based): chr6:152,325,200, G>A on the plus strand (C>T on the coding strand, the complement: SYNE1 is on the minus strand). VCF-style: chr6-152325200-G-A. GRCh37 (hg19) VCF-style: chr6-152646335-G-A.
Other names: c.15328C>T, p.Leu5110= (NM_033071.5).
Identifiers: ClinVar variation 355864 (VCV000355864.31), dbSNP rs774649954, ClinGen allele CA4055753.
Genomic context (GRCh38, chr6:152,325,200, plus strand): 5'-CCTGGGCCACAGCTCGAAGGCGTGTCCAGCGCTGCCAGACGGTGGTCATTGACCTGCTCA[G>A]GGTGGCTTTGCTGGCATCATTTCCGGTTTTCTCCAGTTGTGAAGCTTTTTCCTCAAGGGC-3'
Protein context (NP_892006.3, residues 5171-5191): KTGNDASKAT[Leu5181=]SRSMTTVWQR

ClinVar aggregate classification (germline): Conflicting classifications of pathogenicity. Review status: criteria provided, conflicting classifications (1 of 4 stars). 4 submissions from 3 submitters: Uncertain significance (1); Benign (1); Likely benign (2). Last evaluated 2024-04-03.

Conditions:
Autosomal recessive ataxia, Beauce type. Also called: SYNE1 Deficiency; ATAXIA, RECESSIVE, OF BEAUCE; SYNE1-Related Autosomal Recessive Cerebellar Ataxia; Spinocerebellar ataxia, autosomal recessive 8. Identifiers: Orphanet 88644, MedGen C1853116, MONDO:0012549, OMIM 610743.
Emery-Dreifuss muscular dystrophy 4, autosomal dominant (EDMD4). Also called: EMERY-DREIFUSS MUSCULAR DYSTROPHY 4 WITH VARIABLE FEATURES. Identifiers: Orphanet 261, MedGen C2751807, MONDO:0013071, OMIM 612998.

Allele frequency attached by ClinVar (database versions not stated): gnomAD below 0.00001 and 0.00001; TOPMed below 0.00001; gnomAD exomes 0.00019; ExAC 0.00021.
gnomAD v4.1: 133 of 1,614,018 alleles (0.0082%); highest among the groups gnomAD compares: South Asian, 0.14%; 3 homozygotes.

Submissions (4):

Labcorp Genetics (formerly Invitae), Labcorp
Classification: Likely benign for Emery-Dreifuss muscular dystrophy 4, autosomal dominant; Autosomal recessive ataxia, Beauce type. Last evaluated: 2024-04-03. Review status: criteria provided, single submitter. Criteria: Invitae Variant Classification Sherloc (09022015). Collection method: clinical testing. Allele origin: germline.

CeGaT Center for Human Genetics Tuebingen
Classification: Likely benign. Last evaluated: 2022-10-01. Review status: criteria provided, single submitter. Criteria: CeGaT Center For Human Genetics Tuebingen Variant Classification Criteria Version 2. Collection method: clinical testing. Allele origin: germline. Affected: yes. Observed: 1 variant allele.
Comment: SYNE1: BP4, BP7

Illumina Laboratory Services, Illumina
Classification: Benign for Emery-Dreifuss muscular dystrophy 4, autosomal dominant. Last evaluated: 2018-01-13. Review status: criteria provided, single submitter. Criteria: ICSL Variant Classification Criteria 13 December 2019. Collection method: clinical testing. Allele origin: germline.
Comment: This variant was observed in the ICSL laboratory as part of a predisposition screen in an ostensibly healthy population. It had not been previously curated by ICSL or reported in the Human Gene Mutation Database (HGMD: prior to June 1st, 2018), and was therefore a candidate for classification through an automated scoring system. Utilizing variant allele frequency, disease prevalence and penetrance estimates, and inheritance mode, an automated score was calculated to assess if this variant is too frequent to cause the disease. Based on the score and internal cut-off values, a variant classified as benign is not then subjected to further curation. The score for this variant resulted in a classification of benign for this disease.

Illumina Laboratory Services, Illumina
Classification: Uncertain significance for Autosomal recessive ataxia, Beauce type. Last evaluated: 2018-01-13. Review status: criteria provided, single submitter. Criteria: ICSL Variant Classification Criteria 13 December 2019. Collection method: clinical testing. Allele origin: germline.